The following is an entry in ClinVar:

ClinVar aggregate classification (germline): Uncertain significance (1 of 4 stars; one submission).

Conditions:
Fanconi anemia (FA). Also called: Fanconi's anemia. Identifiers: Orphanet 84, MedGen C0015625, MeSH D005199, MONDO:0019391.

Allele frequency attached by ClinVar (database versions not stated): ESP Exome Variant Server 0.00008.
gnomAD v4.1: 5 of 1,601,604 alleles (0.00031%); highest among the groups gnomAD compares: Non-Finnish European, 0.00043%; no homozygotes.

Submission:

Labcorp Genetics (formerly Invitae), Labcorp
Classification: Uncertain significance for Fanconi anemia. Last evaluated: 2021-12-09. Review status: criteria provided, single submitter. Criteria: Invitae Variant Classification Sherloc (09022015). Collection method: clinical testing. Allele origin: germline.
Comment: In summary, the available evidence is currently insufficient to determine the role of this variant in disease. Therefore, it has been classified as a Variant of Uncertain Significance. Algorithms developed to predict the effect of missense changes on protein structure and function (SIFT, PolyPhen-2, Align-GVGD) all suggest that this variant is likely to be tolerated. This variant has not been reported in the literature in individuals affected with SLX4-related conditions. This variant is not present in population databases (gnomAD no frequency). This sequence change replaces asparagine, which is neutral and polar, with lysine, which is basic and polar, at codon 1410 of the SLX4 protein (p.Asn1410Lys).

NM_032444.4(SLX4):c.4230C>G (p.Asn1410Lys)

Gene: SLX4 (SLX4 structure-specific endonuclease subunit; minus strand). Cytogenetic location: 16p13.3.
Variant type: single nucleotide variant.
Coding change: c.4230C>G on transcript NM_032444.4 (MANE Select); coding-DNA position 4230, C replaced by G.
Protein change: p.Asn1410Lys; replaces asparagine 1410 with lysine.
Molecular consequence: missense variant.
Genome position (GRCh38, 1-based): chr16:3,589,408, G>C on the plus strand (C>G on the coding strand, the complement: SLX4 is on the minus strand). VCF-style: chr16-3589408-G-C. GRCh37 (hg19) VCF-style: chr16-3639409-G-C.
Other names: short protein forms N1410K.
Identifiers: ClinVar variation 2144587 (VCV002144587.4), dbSNP rs138125792, ClinGen allele CA276958415.